The following is an entry in ClinVar:

ClinVar aggregate classification (germline): Uncertain significance (1 of 4 stars; one submission).

Conditions:
Spastic paraplegia. Identifiers: MedGen C0037772, HP:0001258.

Submission:

Labcorp Genetics (formerly Invitae), Labcorp
Classification: Uncertain significance for Spastic paraplegia. Last evaluated: 2020-12-22. Review status: criteria provided, single submitter. Criteria: Invitae Variant Classification Sherloc (09022015). Collection method: clinical testing. Allele origin: germline.
Comment: This sequence change falls in intron 3 of the AP4S1 gene. It does not directly change the encoded amino acid sequence of the AP4S1 protein. It affects a nucleotide within the consensus splice site of the intron. This variant is not present in population databases (ExAC no frequency). This variant has not been reported in the literature in individuals with AP4S1-related conditions. Nucleotide substitutions within the consensus splice site are a relatively common cause of aberrant splicing (PMID: 17576681, 9536098). Algorithms developed to predict the effect of sequence changes on RNA splicing suggest that this variant may disrupt the consensus splice site, but this prediction has not been confirmed by published transcriptional studies. In summary, the available evidence is currently insufficient to determine the role of this variant in disease. Therefore, it has been classified as a Variant of Uncertain Significance.

Literature cited by the submitters: PubMed 17576681; PubMed 9536098.

NM_001128126.3(AP4S1):c.225+5G>A

Gene: AP4S1 (adaptor related protein complex 4 subunit sigma 1; plus strand). Cytogenetic location: 14q12.
Variant type: single nucleotide variant.
Coding change: c.225+5G>A on transcript NM_001128126.3 (MANE Select); 5 bases into the intron after coding-DNA position 225, G replaced by A.
Molecular consequence: intron variant.
Genome position (GRCh38, 1-based): chr14:31,069,934, G>A. VCF-style: chr14-31069934-G-A. GRCh37 (hg19) VCF-style: chr14-31539140-G-A.
Other names: c.225+5G>A (NM_001254729.2, NM_001254727.2, NM_007077.5 and 2 more transcripts).
Identifiers: ClinVar variation 1409771 (VCV001409771.6), dbSNP rs2139056526, ClinGen allele CA2573149826.